The following is an entry in ClinVar:

NM_001348768.2(HECW2):c.1805A>G (p.Asp602Gly)

Gene: HECW2 (HECT, C2 and WW domain containing E3 ubiquitin protein ligase 2; minus strand). Cytogenetic location: 2q32.3.
Variant type: single nucleotide variant.
Coding change: c.1805A>G on transcript NM_001348768.2 (MANE Select); coding-DNA position 1805, A replaced by G.
Protein change: p.Asp602Gly; replaces aspartic acid 602 with glycine.
Molecular consequence: missense variant.
Genome position (GRCh38, 1-based): chr2:196,319,085, T>C on the plus strand (A>G on the coding strand, the complement: HECW2 is on the minus strand). VCF-style: chr2-196319085-T-C. GRCh37 (hg19) VCF-style: chr2-197183809-T-C.
Other names: c.737A>G, p.Asp246Gly (NM_001304840.3); c.1805A>G, p.Asp602Gly (NM_020760.4); short protein forms D246G, D602G.
Identifiers: ClinVar variation 4874631 (VCV004874631.2).

ClinVar aggregate classification (germline): Uncertain significance (1 of 4 stars; one submission).

Submission:

CeGaT Center for Human Genetics Tuebingen
Classification: Uncertain significance. Last evaluated: 2026-04-01. Review status: criteria provided, single submitter. Criteria: CeGaT Center For Human Genetics Tuebingen Variant Classification Criteria Version 2. Collection method: clinical testing. Allele origin: germline. Affected: yes. Observed: 1 variant allele.
Comment: HECW2: PM2, BP4